The following is an entry in ClinVar:

ClinVar aggregate classification (germline): Conflicting classifications of pathogenicity. Review status: criteria provided, conflicting classifications (1 of 4 stars). 2 submissions from 2 submitters: Uncertain significance (1); Likely benign (1). Last evaluated 2026-04-16.

Conditions:
Neurofibromatosis, type 1 (NF1). Also called: VON RECKLINGHAUSEN DISEASE; Neurofibromatosis, type I; NEUROFIBROMATOSIS, TYPE I, SOMATIC; Peripheral type neurofibromatosis. Identifiers: Orphanet 636, MedGen C0027831, MONDO:0018975, OMIM 162200. Disease mechanism: loss of function.
Cardiovascular phenotype. Identifiers: MedGen CN230736.
Hereditary cancer-predisposing syndrome. Also called: Tumor predisposition; Hereditary Cancer Syndrome; Neoplastic Syndromes, Hereditary; Hereditary neoplastic syndrome. Identifiers: Orphanet 140162, MedGen C0027672, MeSH D009386, MONDO:0015356.

Allele frequency attached by ClinVar (database versions not stated): gnomAD exomes below 0.00001.
gnomAD v4.1: 1 of 1,614,100 alleles (0.000062%); highest among the groups gnomAD compares: African/African-American, 0.0013%; no homozygotes.

Submissions (2):

Ambry Genetics
Classification: Likely benign for Cardiovascular phenotype; Hereditary cancer-predisposing syndrome. Last evaluated: 2026-04-16. Review status: criteria provided, single submitter. Criteria: Ambry Variant Classification Scheme 2023. Collection method: clinical testing. Allele origin: germline.

Labcorp Genetics (formerly Invitae), Labcorp
Classification: Uncertain significance for Neurofibromatosis, type 1. Last evaluated: 2025-11-26. Review status: criteria provided, single submitter. Criteria: Invitae Variant Classification Sherloc (09022015). Collection method: clinical testing. Allele origin: germline.
Comment: This sequence change replaces asparagine, which is neutral and polar, with serine, which is neutral and polar, at codon 2812 of the NF1 protein (p.Asn2812Ser). This variant is not present in population databases (gnomAD no frequency). This variant has not been reported in the literature in individuals affected with NF1-related conditions. ClinVar contains an entry for this variant (Variation ID: 574159). Invitae Evidence Modeling of protein sequence and biophysical properties (such as structural, functional, and spatial information, amino acid conservation, physicochemical variation, residue mobility, and thermodynamic stability) indicates that this missense variant is not expected to disrupt NF1 protein function with a negative predictive value of 95%. In summary, the available evidence is currently insufficient to determine the role of this variant in disease. Therefore, it has been classified as a Variant of Uncertain Significance.

NM_001042492.3(NF1):c.8498A>G (p.Asn2833Ser)

Gene: NF1 (neurofibromin 1; plus strand). Cytogenetic location: 17q11.2.
Variant type: single nucleotide variant.
Coding change: c.8498A>G on transcript NM_001042492.3 (MANE Select); coding-DNA position 8498, A replaced by G.
Protein change: p.Asn2833Ser; replaces asparagine 2833 with serine.
Molecular consequence: missense variant.
Genome position (GRCh38, 1-based): chr17:31,374,133, A>G. VCF-style: chr17-31374133-A-G. GRCh37 (hg19) VCF-style: chr17-29701151-A-G.
Other names: c.8435A>G, p.Asn2812Ser (NM_000267.4); short protein forms N2812S, N2833S.
Identifiers: ClinVar variation 574159 (VCV000574159.8), dbSNP rs1567634576, ClinGen allele CA399206105.